The following is an entry in ClinVar:

ClinVar aggregate classification (germline): Likely benign. Review status: criteria provided, multiple submitters, no conflicts (2 of 4 stars). 3 submissions from 3 submitters: Likely benign (3). Last evaluated 2025-04-24.

Conditions:
ABCA1-related disorder. Also called: ABCA1-related condition; ABCA1-related disorders. Identifiers: MedGen CN239173.
Cardiovascular phenotype. Identifiers: MedGen CN230736.

Allele frequency attached by ClinVar (database versions not stated): gnomAD exomes 0.00010 and 0.00004; ExAC 0.00012; gnomAD 0.00025; TOPMed 0.00029; ESP Exome Variant Server 0.00038; 1000 Genomes Project 0.00060; 1000 Genomes Project 30x 0.00078.
gnomAD v4.1: 97 of 1,614,076 alleles (0.006%); highest among the groups gnomAD compares: African/African-American, 0.08%; no homozygotes.

Submissions (3):

Labcorp Genetics (formerly Invitae), Labcorp
Classification: Likely benign. Last evaluated: 2025-04-24. Review status: criteria provided, single submitter. Criteria: Invitae Variant Classification Sherloc (09022015). Collection method: clinical testing. Allele origin: germline.

PreventionGenetics, part of Exact Sciences
Classification: Likely benign for ABCA1-related condition. Last evaluated: 2025-03-20. Review status: criteria provided, single submitter. Criteria: ACMG Guidelines, 2015. Collection method: clinical testing. Allele origin: germline.
Comment: This variant is classified as likely benign based on ACMG/AMP sequence variant interpretation guidelines (Richards et al. 2015 PMID: 25741868, with internal and published modifications).

Ambry Genetics
Classification: Likely benign for Cardiovascular phenotype. Last evaluated: 2019-07-07. Review status: criteria provided, single submitter. Criteria: Ambry Variant Classification Scheme 2023. Collection method: clinical testing. Allele origin: germline.

NM_005502.4(ABCA1):c.4197G>A (p.Thr1399=)

Gene: ABCA1 (ATP binding cassette subfamily A member 1; minus strand). Cytogenetic location: 9q31.1.
Variant type: single nucleotide variant.
Coding change: c.4197G>A on transcript NM_005502.4 (MANE Select); coding-DNA position 4197, G replaced by A.
Protein change: p.Thr1399=; no amino-acid change (threonine 1399 retained).
Molecular consequence: synonymous variant.
Genome position (GRCh38, 1-based): chr9:104,809,543, C>T on the plus strand (G>A on the coding strand, the complement: ABCA1 is on the minus strand). VCF-style: chr9-104809543-C-T. GRCh37 (hg19) VCF-style: chr9-107571824-C-T.
Identifiers: ClinVar variation 1571177 (VCV001571177.11), dbSNP rs73663551, ClinGen allele CA5168204.